The following is an entry in ClinVar:

NM_198576.4(AGRN):c.3709G>A (p.Val1237Met)

Gene: AGRN (agrin; plus strand). Cytogenetic location: 1p36.33.
Variant type: single nucleotide variant.
Coding change: c.3709G>A on transcript NM_198576.4 (MANE Select); coding-DNA position 3709, G replaced by A.
Protein change: p.Val1237Met; replaces valine 1237 with methionine.
Molecular consequence: missense variant.
Genome position (GRCh38, 1-based): chr1:1,047,853, G>A. VCF-style: chr1-1047853-G-A. GRCh37 (hg19) VCF-style: chr1-983233-G-A.
Other names: c.3709G>A, p.Val1237Met (NM_001305275.2); c.3394G>A, p.Val1132Met (NM_001364727.2); short protein forms V1237M, V1132M.
Identifiers: ClinVar variation 4987556 (VCV004987556.1).
Genomic context (GRCh38, chr1:1,047,853, plus strand): 5'-CCCGACGTGGCCCGGGCCCTGCTCCGGCAGATCCAGGTGTCCAGGCGCCGGTCCTTGGGG[G>A]TGAGGCGGCCGCTGCAGGAGCACGTGCGATTTATGGACTTTGGTGAGCGCCAGGCCACGA-3'
Protein context (NP_940978.2, residues 1227-1247): IQVSRRRSLG[Val1237Met]RRPLQEHVRF

ClinVar aggregate classification (germline): Uncertain significance (1 of 4 stars; one submission).

Conditions:
AGRN-related disorder. Also called: AGRN-related condition.

Submission:

PreventionGenetics, part of Exact Sciences
Classification: Uncertain significance for AGRN-related condition. Last evaluated: 2026-04-30. Review status: criteria provided, single submitter. Criteria: ACMG Guidelines, 2015. Collection method: clinical testing. Allele origin: germline.
Comment: The AGRN c.3709G>A variant is predicted to result in the amino acid substitution p.Val1237Met. To our knowledge, this variant has not been reported in the literature or in a large population database (gnomAD), indicating this variant is rare. At this time, the clinical significance of this variant is uncertain due to the absence of conclusive functional and genetic evidence.